The following is an entry in ClinVar:

NM_001048174.2(MUTYH):c.543G>C (p.Gln181His)

Gene: MUTYH (mutY DNA glycosylase; minus strand). Cytogenetic location: 1p34.1.
Variant type: single nucleotide variant.
Coding change: c.543G>C on transcript NM_001048174.2 (MANE Select); coding-DNA position 543, G replaced by C.
Protein change: p.Gln181His; replaces glutamine 181 with histidine.
Molecular consequence: missense variant. On other transcripts: non-coding transcript variant (7).
Genome position (GRCh38, 1-based): chr1:45,332,637, C>G on the plus strand (G>C on the coding strand, the complement: MUTYH is on the minus strand). VCF-style: chr1-45332637-C-G. GRCh37 (hg19) VCF-style: chr1-45798309-C-G.
Other names: c.543G>C, p.Gln181His (NM_001048171.2, NM_001048173.2, NM_001407073.1 and 6 more transcripts); c.546G>C, p.Gln182His (NM_001048172.2, NM_001407078.1, NM_001407071.1 and 1 more transcripts); c.627G>C, p.Gln209His (NM_001128425.2); c.588G>C, p.Gln196His (NM_001293190.2); c.576G>C, p.Gln192His (NM_001293191.2, NM_001407077.1, NM_001407069.1); c.459G>C, p.Gln153His (NM_001407075.1); c.504G>C, p.Gln168His (NM_001407079.1); c.501G>C, p.Gln167His (NM_001407080.1); and 5 more; short protein forms Q206H, Q181H, Q209H, Q66H, Q153H, Q168H, Q192H, Q195H.
Identifiers: ClinVar variation 4113771 (VCV004113771.1).

ClinVar aggregate classification (germline): Uncertain significance (1 of 4 stars; one submission).

Conditions:
Hereditary cancer-predisposing syndrome. Also called: Hereditary neoplastic syndrome; Neoplastic Syndromes, Hereditary; Tumor predisposition; Hereditary Cancer Syndrome. Identifiers: Orphanet 140162, MedGen C0027672, MeSH D009386, MONDO:0015356.

Submission:

Ambry Genetics
Classification: Uncertain significance for Hereditary cancer-predisposing syndrome. Last evaluated: 2025-08-27. Review status: criteria provided, single submitter. Criteria: Ambry Variant Classification Scheme 2023. Collection method: clinical testing. Allele origin: germline.
Comment: The p.Q209H variant (also known as c.627G>C), located in coding exon 8 of the MUTYH gene, results from a G to C substitution at nucleotide position 627. The glutamine at codon 209 is replaced by histidine, an amino acid with highly similar properties. This amino acid position is conserved. In addition, the in silico prediction for this alteration is inconclusive. Based on the available evidence, the clinical significance of this variant remains unclear.